The following is an entry in ClinVar:

NM_024642.5(GALNT12):c.1010G>C (p.Gly337Ala)

Gene: GALNT12 (polypeptide N-acetylgalactosaminyltransferase 12; plus strand). Cytogenetic location: 9q22.33.
Variant type: single nucleotide variant.
Coding change: c.1010G>C on transcript NM_024642.5 (MANE Select); coding-DNA position 1010, G replaced by C.
Protein change: p.Gly337Ala; replaces glycine 337 with alanine.
Molecular consequence: missense variant.
Genome position (GRCh38, 1-based): chr9:98,835,341, G>C. VCF-style: chr9-98835341-G-C. GRCh37 (hg19) VCF-style: chr9-101597623-G-C.
Other names: short protein forms G337A.
Identifiers: ClinVar variation 4028022 (VCV004028022.1).

ClinVar aggregate classification (germline): Uncertain significance (1 of 4 stars; one submission).

Submission:

Ambry Genetics
Classification: Uncertain significance. Last evaluated: 2025-06-07. Review status: criteria provided, single submitter. Criteria: Ambry Variant Classification Scheme 2023. Collection method: clinical testing. Allele origin: germline.
Comment: The p.G337A variant (also known as c.1010G>C), located in coding exon 5 of the GALNT12 gene, results from a G to C substitution at nucleotide position 1010. The glycine at codon 337 is replaced by alanine, an amino acid with similar properties. This amino acid position is conserved. In addition, this alteration is predicted to be deleterious by in silico analysis. Based on the available evidence, the clinical significance of this variant remains unclear.